The following is an entry in ClinVar:

NM_182961.4(SYNE1):c.21181C>G (p.Leu7061Val)

Gene: SYNE1 (spectrin repeat containing nuclear envelope protein 1; minus strand). Cytogenetic location: 6q25.2.
Variant type: single nucleotide variant.
Coding change: c.21181C>G on transcript NM_182961.4 (MANE Select); coding-DNA position 21181, C replaced by G.
Protein change: p.Leu7061Val; replaces leucine 7061 with valine.
Molecular consequence: missense variant.
Genome position (GRCh38, 1-based): chr6:152,230,561, G>C on the plus strand (C>G on the coding strand, the complement: SYNE1 is on the minus strand). VCF-style: chr6-152230561-G-C. GRCh37 (hg19) VCF-style: chr6-152551696-G-C.
Other names: c.20968C>G, p.Leu6990Val (NM_033071.5); short protein forms L6990V, L7061V.
Identifiers: ClinVar variation 1311411 (VCV001311411.2), dbSNP rs1489410456, ClinGen allele CA366111652.

ClinVar aggregate classification (germline): Uncertain significance (1 of 4 stars; one submission).

Submission:

GeneDx
Classification: Uncertain significance. Last evaluated: 2020-01-14. Review status: criteria provided, single submitter. Criteria: GeneDx Variant Classification Process June 2021. Collection method: clinical testing. Allele origin: germline. Affected: yes.
Comment: Has not been previously published as pathogenic or benign to our knowledge; Not observed in large population cohorts (Lek et al., 2016); In silico analysis, which includes protein predictors and evolutionary conservation, supports a deleterious effect